The following is an entry in ClinVar:

ClinVar aggregate classification (germline): Conflicting classifications of pathogenicity. Review status: criteria provided, conflicting classifications (1 of 4 stars). 3 submissions from 3 submitters: Uncertain significance (2); Likely benign (1). Last evaluated 2025-05-01.

Conditions:
Hypertrophic cardiomyopathy 26. Also called: Cardiomyopathy, familial hypertrophic, 26. Identifiers: Orphanet 75249, MedGen C4310749, MONDO:0014883, OMIM 617047.
Distal myopathy with posterior leg and anterior hand involvement. Also called: WILLIAMS DISTAL MYOPATHY. Identifiers: Orphanet 63273, MedGen C3279722, MONDO:0013550, OMIM 614065.
Myofibrillar myopathy 5. Also called: FILAMINOPATHY, AUTOSOMAL DOMINANT; Filaminopathy (type). Identifiers: Orphanet 171445, MedGen C1836050, MONDO:0012289, OMIM 609524.
Cardiovascular phenotype. Identifiers: MedGen CN230736.

Allele frequency attached by ClinVar (database versions not stated): gnomAD exomes below 0.00001; TOPMed below 0.00001; ExAC 0.00001; gnomAD 0.00001.
gnomAD v4.1: 3 of 1,613,606 alleles (0.00019%); highest among the groups gnomAD compares: African/African-American, 0.004%; no homozygotes.

Submissions (3):

Labcorp Genetics (formerly Invitae), Labcorp
Classification: Likely benign for Distal myopathy with posterior leg and anterior hand involvement; Myofibrillar myopathy 5; Hypertrophic cardiomyopathy 26. Last evaluated: 2025-05-01. Review status: criteria provided, single submitter. Criteria: Invitae Variant Classification Sherloc (09022015). Collection method: clinical testing. Allele origin: germline.

GeneDx
Classification: Uncertain significance. Last evaluated: 2025-01-21. Review status: criteria provided, single submitter. Criteria: GeneDx Variant Classification Process June 2021. Collection method: clinical testing. Allele origin: germline. Affected: yes.
Comment: Not observed at significant frequency in large population cohorts (gnomAD); In silico analysis supports that this missense variant has a deleterious effect on protein structure/function; Has not been previously published as pathogenic or benign to our knowledge

Ambry Genetics
Classification: Uncertain significance for Cardiovascular phenotype. Last evaluated: 2021-09-26. Review status: criteria provided, single submitter. Criteria: Ambry Variant Classification Scheme 2023. Collection method: clinical testing. Allele origin: germline.
Comment: The p.F1238S variant (also known as c.3713T>C), located in coding exon 21 of the FLNC gene, results from a T to C substitution at nucleotide position 3713. The phenylalanine at codon 1238 is replaced by serine, an amino acid with highly dissimilar properties. This amino acid position is conserved. In addition, this alteration is predicted to be tolerated by in silico analysis. Since supporting evidence is limited at this time, the clinical significance of this alteration remains unclear.

NM_001458.5(FLNC):c.3713T>C (p.Phe1238Ser)

Gene: FLNC (filamin C; plus strand). Cytogenetic location: 7q32.1.
Variant type: single nucleotide variant.
Coding change: c.3713T>C on transcript NM_001458.5 (MANE Select); coding-DNA position 3713, T replaced by C.
Protein change: p.Phe1238Ser; replaces phenylalanine 1238 with serine.
Molecular consequence: missense variant.
Genome position (GRCh38, 1-based): chr7:128,845,178, T>C. VCF-style: chr7-128845178-T-C. GRCh37 (hg19) VCF-style: chr7-128485232-T-C.
Other names: c.3713T>C, p.Phe1238Ser (NM_001127487.2); short protein forms F1238S.
Identifiers: ClinVar variation 1011887 (VCV001011887.19), dbSNP rs777798089, ClinGen allele CA4475105.
Genomic context (GRCh38, chr7:128,845,178, plus strand): 5'-CTGCCTTCCCTGGCACCTACACCATTACCATCAAGTATGGCGGGCATCCCGTGCCCAAAT[T>C]CCCCACCCGTGTCCATGTGCAGCCTGCGGTCGATACCAGTGGCGTCAAGGTCTCAGGGCC-3'
Protein context (NP_001449.3, residues 1228-1248): IKYGGHPVPK[Phe1238Ser]PTRVHVQPAV